The following is an entry in ClinVar:

ClinVar aggregate classification (germline): Likely benign. Review status: criteria provided, multiple submitters, no conflicts (2 of 4 stars). 2 submissions from 2 submitters: Likely benign (2). Last evaluated 2025-01-05.

Conditions:
Early-infantile DEE. Also called: Early infantile epileptic encephalopathy with suppression bursts; Early infantile epileptic encephalopathy; Ohtahara syndrome. Identifiers: Orphanet 1934, MedGen C0393706, MONDO:0800491.

Allele frequency attached by ClinVar (database versions not stated): gnomAD exomes below 0.00001.
gnomAD v4.1: 4 of 1,599,290 alleles (0.00025%); highest among the groups gnomAD compares: Non-Finnish European, 0.00034%; no homozygotes.

Submissions (2):

Labcorp Genetics (formerly Invitae), Labcorp
Classification: Likely benign for Early-infantile DEE. Last evaluated: 2025-01-05. Review status: criteria provided, single submitter. Criteria: Invitae Variant Classification Sherloc (09022015). Collection method: clinical testing. Allele origin: germline.

GeneDx
Classification: Likely benign. Last evaluated: 2018-02-05. Review status: criteria provided, single submitter. Criteria: GeneDx Variant Classification (06012015). Collection method: clinical testing. Allele origin: germline. Affected: yes.
Comment: This variant is considered likely benign or benign based on one or more of the following criteria: it is a conservative change, it occurs at a poorly conserved position in the protein, it is predicted to be benign by multiple in silico algorithms, and/or has population frequency not consistent with disease.

NM_001165963.4(SCN1A):c.4003-8T>C

Genes: SCN1A (sodium voltage-gated channel alpha subunit 1; minus strand), LOC102724058 (uncharacterized LOC102724058; plus strand). Cytogenetic location: 2q24.3.
Variant type: single nucleotide variant.
Coding change: c.4003-8T>C on transcript NM_001165963.4 (MANE Select); 8 bases into the intron before coding-DNA position 4003, T replaced by C.
Molecular consequence: intron variant.
Genome position (GRCh38, 1-based): chr2:166,002,761, A>G on the plus strand (T>C on the coding strand, the complement: SCN1A is on the minus strand). VCF-style: chr2-166002761-A-G. GRCh37 (hg19) VCF-style: chr2-166859271-A-G.
Other names: c.3970-8T>C (NM_001353949.2, NM_001353950.2, NM_001353951.2 and 2 more transcripts); c.3919-8T>C (NM_001353958.2, NM_001353957.2, NM_001165964.3); c.4003-8T>C (NM_001202435.3, NM_001353948.2); c.3967-8T>C (NM_001353955.2, NM_001353954.2); c.3916-8T>C (NM_001353960.2); c.1561-8T>C (NM_001353961.2).
Identifiers: ClinVar variation 515241 (VCV000515241.3), dbSNP rs1553525411, ClinGen allele CA658795936.